The following is an entry in ClinVar:

NM_001017995.3(SH3PXD2B):c.2635C>T (p.Arg879Trp)

Gene: SH3PXD2B (SH3 and PX domains 2B; minus strand). Cytogenetic location: 5q35.1.
Variant type: single nucleotide variant.
Coding change: c.2635C>T on transcript NM_001017995.3 (MANE Select); coding-DNA position 2635, C replaced by T.
Protein change: p.Arg879Trp; replaces arginine 879 with tryptophan.
Molecular consequence: missense variant. On other transcripts: intron variant (1).
Genome position (GRCh38, 1-based): chr5:172,338,470, G>A on the plus strand (C>T on the coding strand, the complement: SH3PXD2B is on the minus strand). VCF-style: chr5-172338470-G-A. GRCh37 (hg19) VCF-style: chr5-171765474-G-A.
Other names: c.1188+7666C>T (NM_001308175.2); c.2635C>T (NM_001017995.2); short protein forms R879W.
Identifiers: ClinVar variation 1441018 (VCV001441018.9), dbSNP rs767729554, ClinGen allele CA3560924.

ClinVar aggregate classification (germline): Uncertain significance. Review status: criteria provided, multiple submitters, no conflicts (2 of 4 stars). 2 submissions from 2 submitters: Uncertain significance (2). Last evaluated 2025-04-11.

Conditions:
Inborn genetic diseases. Identifiers: MedGen C0950123, MeSH D030342.

Allele frequency attached by ClinVar (database versions not stated): gnomAD 0.00001; gnomAD exomes 0.00001 and 0.00002; ExAC 0.00002; TOPMed 0.00002.
gnomAD v4.1: 23 of 1,614,040 alleles (0.0014%); highest among the groups gnomAD compares: East Asian, 0.0022%; no homozygotes.

Submissions (2):

Ambry Genetics
Classification: Uncertain significance for Inborn genetic diseases. Last evaluated: 2025-04-11. Review status: criteria provided, single submitter. Criteria: Ambry Variant Classification Scheme 2023. Collection method: clinical testing. Allele origin: germline.

Labcorp Genetics (formerly Invitae), Labcorp
Classification: Uncertain significance. Last evaluated: 2025-03-31. Review status: criteria provided, single submitter. Criteria: Invitae Variant Classification Sherloc (09022015). Collection method: clinical testing. Allele origin: germline.
Comment: This sequence change replaces arginine, which is basic and polar, with tryptophan, which is neutral and slightly polar, at codon 879 of the SH3PXD2B protein (p.Arg879Trp). This variant is present in population databases (rs767729554, gnomAD 0.003%). This variant has not been reported in the literature in individuals affected with SH3PXD2B-related conditions. ClinVar contains an entry for this variant (Variation ID: 1441018). An algorithm developed to predict the effect of missense changes on protein structure and function (PolyPhen-2) suggests that this variant is likely to be disruptive. In summary, the available evidence is currently insufficient to determine the role of this variant in disease. Therefore, it has been classified as a Variant of Uncertain Significance.